The following is an entry in ClinVar:

ClinVar aggregate classification (germline): Likely benign. Review status: criteria provided, multiple submitters, no conflicts (2 of 4 stars). 2 submissions from 2 submitters: Likely benign (2). Last evaluated 2025-08-11.

Conditions:
UCP3-related disorder. Also called: UCP3-related condition.

Allele frequency attached by ClinVar (database versions not stated): gnomAD 0.00005; ESP Exome Variant Server 0.00008; TOPMed 0.00011; 1000 Genomes Project 0.00020; 1000 Genomes Project 30x 0.00031.

Submissions (2):

PreventionGenetics, part of Exact Sciences
Classification: Likely benign for UCP3-related condition. Last evaluated: 2025-08-11. Review status: criteria provided, single submitter. Criteria: ACMG Guidelines, 2015. Collection method: clinical testing. Allele origin: germline.
Comment: This variant is classified as likely benign based on ACMG/AMP sequence variant interpretation guidelines (Richards et al. 2015 PMID: 25741868, with internal and published modifications).

Labcorp Genetics (formerly Invitae), Labcorp
Classification: Likely benign. Last evaluated: 2025-07-28. Review status: criteria provided, single submitter. Criteria: Invitae Variant Classification Sherloc (09022015). Collection method: clinical testing. Allele origin: germline.

NM_003356.4(UCP3):c.342C>T (p.Ser114=)

Gene: UCP3 (uncoupling protein 3; minus strand). Cytogenetic location: 11q13.4.
Variant type: single nucleotide variant.
Coding change: c.342C>T on transcript NM_003356.4 (MANE Select); coding-DNA position 342, C replaced by T.
Protein change: p.Ser114=; no amino-acid change (serine 114 retained).
Molecular consequence: synonymous variant.
Genome position (GRCh38, 1-based): chr11:74,005,929, G>A on the plus strand (C>T on the coding strand, the complement: UCP3 is on the minus strand). VCF-style: chr11-74005929-G-A. GRCh37 (hg19) VCF-style: chr11-73716974-G-A.
Other names: c.342C>T, p.Ser114= (NM_022803.3); c.342C>T (NM_003356.3).
Identifiers: ClinVar variation 2896876 (VCV002896876.4), dbSNP rs138565412, ClinGen allele CA6181513.
Genomic context (GRCh38, chr11:74,005,929, plus strand): 5'-GGCACAGGTCACCGCCATGGCTCCTGTGGTGCAGCCGGCCAAAATCCGGGTAGTGAGGCT[G>A]GAGTCTGGGAGGGGCAGAGAGAGTGGGCCAGTGTCCCCTACTAAGCAGCATTCTGGGACA-3'
Protein context (NP_003347.1, residues 104-124): QVYTPKGADN[Ser114=]SLTTRILAGC